The following is an entry in ClinVar:

NM_031844.3(HNRNPU):c.2365C>T (p.Arg789Ter)

Gene: HNRNPU (heterogeneous nuclear ribonucleoprotein U; minus strand). Cytogenetic location: 1q44.
Variant type: single nucleotide variant.
Coding change: c.2365C>T on transcript NM_031844.3 (MANE Select); coding-DNA position 2365, C replaced by T.
Protein change: p.Arg789Ter; replaces arginine 789 with a stop codon.
Molecular consequence: nonsense.
Genome position (GRCh38, 1-based): chr1:244,855,032, G>A on the plus strand (C>T on the coding strand, the complement: HNRNPU is on the minus strand). VCF-style: chr1-244855032-G-A. GRCh37 (hg19) VCF-style: chr1-245018334-G-A.
Other names: c.2308C>T, p.Arg770Ter (NM_004501.3); short protein forms R770*, R789*.
Identifiers: ClinVar variation 2575984 (VCV002575984.1), dbSNP rs61844226, ClinGen allele CA345486751.

ClinVar aggregate classification (germline): Likely pathogenic (1 of 4 stars; one submission).

Submission:

Institute for Clinical Genetics, University Hospital TU Dresden, University Hospital TU Dresden
Classification: Likely pathogenic. Last evaluated: 2022-06-14. Review status: criteria provided, single submitter. Criteria: ACMG Guidelines, 2015. Collection method: clinical testing. Allele origin: germline.
Comment: PVS1, PM2_SUP